The following is an entry in ClinVar:

ClinVar aggregate classification (germline): Likely benign. Review status: criteria provided, multiple submitters, no conflicts (2 of 4 stars). 4 submissions from 4 submitters: Likely benign (3). 1 of the submissions does not count toward it. Last evaluated 2025-04-01.

Conditions:
CIT-related disorder. Also called: CIT-related condition.

Allele frequency attached by ClinVar (database versions not stated): gnomAD 0.00004; TOPMed 0.00006.
gnomAD v4.1: 112 of 1,613,904 alleles (0.0069%); highest among the groups gnomAD compares: Non-Finnish European, 0.009%; no homozygotes.

Submissions (4):

CeGaT Center for Human Genetics Tuebingen
Classification: Likely benign. Last evaluated: 2025-04-01. Review status: criteria provided, single submitter. Criteria: CeGaT Center For Human Genetics Tuebingen Variant Classification Criteria Version 2. Collection method: clinical testing. Allele origin: germline. Affected: yes. Observed: 1 variant allele.
Comment: CIT: BP4, BP7

Labcorp Genetics (formerly Invitae), Labcorp
Classification: Likely benign. Last evaluated: 2023-09-20. Review status: criteria provided, single submitter. Criteria: Invitae Variant Classification Sherloc (09022015). Collection method: clinical testing. Allele origin: germline.

GeneDx
Classification: Likely benign. Last evaluated: 2020-01-29. Review status: criteria provided, single submitter. Criteria: GeneDx Variant Classification Process June 2021. Collection method: clinical testing. Allele origin: germline. Affected: yes.

PreventionGenetics, part of Exact Sciences
Classification: Likely benign for CIT-related condition. Last evaluated: 2020-02-17. Review status: no assertion criteria provided. Collection method: clinical testing. Allele origin: germline. Not counted in ClinVar's aggregate classification.
Comment: This variant is classified as likely benign based on ACMG/AMP sequence variant interpretation guidelines (Richards et al. 2015 PMID: 25741868, with internal and published modifications).

NM_001206999.2(CIT):c.3372C>T (p.Ile1124=)

Gene: CIT (citron rho-interacting serine/threonine kinase; minus strand). Cytogenetic location: 12q24.23.
Variant type: single nucleotide variant.
Coding change: c.3372C>T on transcript NM_001206999.2 (MANE Select); coding-DNA position 3372, C replaced by T.
Protein change: p.Ile1124=; no amino-acid change (isoleucine 1124 retained).
Molecular consequence: synonymous variant.
Genome position (GRCh38, 1-based): chr12:119,730,609, G>A on the plus strand (C>T on the coding strand, the complement: CIT is on the minus strand). VCF-style: chr12-119730609-G-A. GRCh37 (hg19) VCF-style: chr12-120168414-G-A.
Other names: c.3246C>T, p.Ile1082= (NM_007174.3).
Identifiers: ClinVar variation 1191008 (VCV001191008.14), dbSNP rs776480559, ClinGen allele CA6821518.
Genomic context (GRCh38, chr12:119,730,609, plus strand): 5'-AGCGAGAATCTCAGCCTTGTGCTCCTTCACTGCCAGCTCCACCACCTGGCGAGACTCGGT[G>A]ATCCGCTGATCGGCTCTCGCCCTGCCAGAAAGACACAGGTCAGCTTTTGGTAGCCCCCCA-3'
Protein context (NP_001193928.1, residues 1114-1134): KQSRARADQR[Ile1124=]TESRQVVELA